The following is an entry in ClinVar:

ClinVar aggregate classification (germline): Uncertain significance (1 of 4 stars; one submission).

Conditions:
Alpha thalassemia-X-linked intellectual disability syndrome (ATRX). Also called: ALPHA-THALASSEMIA/MENTAL RETARDATION SYNDROME, X-LINKED; ATR, NONDELETION TYPE; ATR-X syndrome; Alpha thalassemia mental retardation syndrome, nondeletion type, X-linked; XLMR hypotonic face syndrome; X-linked alpha-thalassemia-mental retardation syndrome. Identifiers: Orphanet 847, MedGen C1845055, MONDO:0010519, OMIM 301040.

Submission:

Labcorp Genetics (formerly Invitae), Labcorp
Classification: Uncertain significance for Alpha thalassemia-X-linked intellectual disability syndrome. Last evaluated: 2025-06-30. Review status: criteria provided, single submitter. Criteria: Invitae Variant Classification Sherloc (09022015). Collection method: clinical testing. Allele origin: germline.
Comment: This sequence change replaces arginine, which is basic and polar, with serine, which is neutral and polar, at codon 1102 of the ATRX protein (p.Arg1102Ser). This variant is not present in population databases (gnomAD no frequency). This variant has not been reported in the literature in individuals affected with ATRX-related conditions. Invitae Evidence Modeling of protein sequence and biophysical properties (such as structural, functional, and spatial information, amino acid conservation, physicochemical variation, residue mobility, and thermodynamic stability) indicates that this missense variant is not expected to disrupt ATRX protein function with a negative predictive value of 95%. In summary, the available evidence is currently insufficient to determine the role of this variant in disease. Therefore, it has been classified as a Variant of Uncertain Significance.

NM_000489.6(ATRX):c.3306G>T (p.Arg1102Ser)

Gene: ATRX (ATRX chromatin remodeler; minus strand). Cytogenetic location: Xq21.1.
Variant type: single nucleotide variant.
Coding change: c.3306G>T on transcript NM_000489.6 (MANE Select); coding-DNA position 3306, G replaced by T.
Protein change: p.Arg1102Ser; replaces arginine 1102 with serine.
Molecular consequence: missense variant.
Genome position (GRCh38, 1-based): chrX:77,681,950, C>A on the plus strand (G>T on the coding strand, the complement: ATRX is on the minus strand). VCF-style: chrX-77681950-C-A. GRCh37 (hg19) VCF-style: chrX-76937442-C-A.
Other names: c.3192G>T, p.Arg1064Ser (NM_138270.5); short protein forms R1064S, R1102S.
Identifiers: ClinVar variation 4801107 (VCV004801107.1).